The following is an entry in ClinVar:

NM_001015880.2(PAPSS2):c.1683C>G (p.Asn561Lys)

Gene: PAPSS2 (3'-phosphoadenosine 5'-phosphosulfate synthase 2; plus strand). Cytogenetic location: 10q23.31.
Variant type: single nucleotide variant.
Coding change: c.1683C>G on transcript NM_001015880.2 (MANE Select); coding-DNA position 1683, C replaced by G.
Protein change: p.Asn561Lys; replaces asparagine 561 with lysine.
Molecular consequence: missense variant.
Genome position (GRCh38, 1-based): chr10:87,745,193, C>G. VCF-style: chr10-87745193-C-G. GRCh37 (hg19) VCF-style: chr10-89504950-C-G.
Other names: c.1668C>G, p.Asn556Lys (NM_004670.4); short protein forms N561K, N556K.
Identifiers: ClinVar variation 661369 (VCV000661369.8), dbSNP rs1395668049, ClinGen allele CA377484036.
Genomic context (GRCh38, chr10:87,745,193, plus strand): 5'-GAGCATGGCCCCTGGCCTCACCTCTGTGGAAATCATTCCATTCCGAGTGGCTGCCTACAA[C>G]AAAGCCAAAAAAGCCATGGACTTCTATGATCCAGCAAGGTAGGTTTTCAGAGGAAAATTC-3'
Protein context (NP_001015880.1, residues 551-571): EIIPFRVAAY[Asn561Lys]KAKKAMDFYD

ClinVar aggregate classification (germline): Uncertain significance (1 of 4 stars; one submission).

Conditions:
Spondyloepimetaphyseal dysplasia, PAPSS2 type. Also called: BRACHYOLMIA TYPE 4 WITH MILD EPIPHYSEAL AND METAPHYSEAL CHANGES; SPONDYLODYSPLASIA AND PREMATURE PUBARCHE; SEMD, PAKISTANI TYPE. Identifiers: Orphanet 93282, MedGen C2748516, MONDO:0019666, OMIM 612847.

Allele frequency attached by ClinVar (database versions not stated): gnomAD exomes below 0.00001 and 0.00001.
gnomAD v4.1: 7 of 1,613,864 alleles (0.00043%); highest among the groups gnomAD compares: Non-Finnish European, 0.00059%; no homozygotes.

Submission:

Labcorp Genetics (formerly Invitae), Labcorp
Classification: Uncertain significance for Spondyloepimetaphyseal dysplasia, PAPSS2 type. Last evaluated: 2018-07-09. Review status: criteria provided, single submitter. Criteria: Invitae Variant Classification Sherloc (09022015). Collection method: clinical testing. Allele origin: germline.
Comment: In summary, the available evidence is currently insufficient to determine the role of this variant in disease. Therefore, it has been classified as a Variant of Uncertain Significance. Algorithms developed to predict the effect of missense changes on protein structure and function are either unavailable or do not agree on the potential impact of this missense change (SIFT: "Tolerated"; PolyPhen-2: "Probably Damaging"; Align-GVGD: "Class C0"). This variant has not been reported in the literature in individuals with PAPSS2-related disease. This variant is not present in population databases (ExAC no frequency). This sequence change replaces asparagine with lysine at codon 561 of the PAPSS2 protein (p.Asn561Lys). The asparagine residue is moderately conserved and there is a moderate physicochemical difference between asparagine and lysine.